The following is an entry in ClinVar:

ClinVar aggregate classification (germline): Conflicting classifications of pathogenicity. Review status: criteria provided, conflicting classifications (1 of 4 stars). 11 submissions from 11 submitters: Pathogenic (2); Likely pathogenic (2); Uncertain significance (5). 2 of the submissions do not count toward it. Last evaluated 2026-04-29.

Conditions:
Glycine encephalopathy 1 (GCE1). Identifiers: MedGen CN376801, MONDO:0958179, OMIM 605899.
Inborn genetic diseases. Identifiers: MedGen C0950123, MeSH D030342.
Glycine encephalopathy. Also called: Nonketotic hyperglycinemia; Non-ketotic hyperglycinemia. Identifiers: Orphanet 407, MedGen C0751748, MONDO:0011612, HP:0008288.
Smith-Magenis Syndrome-like.

Allele frequency attached by ClinVar (database versions not stated): gnomAD 0.00006 and 0.00008; 1000 Genomes Project 30x 0.00016; gnomAD exomes 0.00002 and 0.00003; 1000 Genomes Project 0.00020; ExAC 0.00004; TOPMed 0.00004; ESP Exome Variant Server 0.00008.
gnomAD v4.1: 52 of 1,614,114 alleles (0.0032%); highest among the groups gnomAD compares: Admixed American, 0.018%; no homozygotes.

Submissions (11):

Women's Health and Genetics/Laboratory Corporation of America, LabCorp
Classification: Uncertain significance. Last evaluated: 2026-04-29. Review status: criteria provided, single submitter. Criteria: LabCorp Variant Classification Summary - May 2015. Collection method: clinical testing. Allele origin: germline.
Comment: Variant summary: GLDC c.1940C>T (p.Pro647Leu) results in a non-conservative amino acid change located in the Aromatic amino acid beta-eliminating lyase/threonine aldolase (IPR001597) of the encoded protein sequence. Algorithms developed to predict the effect of missense changes on protein structure and function all suggest that this variant is likely to be disruptive. The variant allele was found at a frequency of 2.8e-05 in 251462 control chromosomes. c.1940C>T has been observed in individual(s) affected with clinical features of Glycine Encephalopathy (Non-Ketotic Hyperglycinemia) (Loviglio_2016). These report(s) do not provide unequivocal conclusions about association of the variant with Glycine Encephalopathy (Non-Ketotic Hyperglycinemia). To our knowledge, no experimental evidence demonstrating an impact on protein function has been reported. Internally validated machine learning-based Evidence Modeling of protein sequence and biophysical properties (such as structural, functional, and spatial information, amino acid conservation, physicochemical variation, residue mobility, and thermodynamic stability) indicates that this missense variant is expected to disrupt protein function with a positive predictive value of at least 95%. The following publication has been ascertained in the context of this evaluation (PMID: 27799067). ClinVar contains an entry for this variant (Variation ID: 254211). Based on the evidence outlined above, the variant was classified as VUS-possibly pathogenic.

Labcorp Genetics (formerly Invitae), Labcorp
Classification: Likely pathogenic for Glycine encephalopathy. Last evaluated: 2026-01-19. Review status: criteria provided, single submitter. Criteria: Invitae Variant Classification Sherloc (09022015). Collection method: clinical testing. Allele origin: germline.
Comment: This sequence change replaces proline, which is neutral and non-polar, with leucine, which is neutral and non-polar, at codon 647 of the GLDC protein (p.Pro647Leu). This variant is present in population databases (rs201135624, gnomAD 0.01%). This missense change has been observed in individual(s) with Smith-Magenis like phenotype (PMID: 27799067). ClinVar contains an entry for this variant (Variation ID: 254211). Invitae Evidence Modeling of protein sequence and biophysical properties (such as structural, functional, and spatial information, amino acid conservation, physicochemical variation, residue mobility, and thermodynamic stability) indicates that this missense variant is expected to disrupt GLDC protein function with a positive predictive value of 95%. This variant disrupts the p.Pro647 amino acid residue in GLDC. Other variant(s) that disrupt this residue have been determined to be pathogenic (PMID: 27362913). This suggests that this residue is clinically significant, and that variants that disrupt this residue are likely to be disease-causing. In summary, the currently available evidence indicates that the variant is pathogenic, but additional data are needed to prove that conclusively. Therefore, this variant has been classified as Likely Pathogenic.

Laboratorio de Genetica e Diagnostico Molecular, Hospital Israelita Albert Einstein
Classification: Uncertain significance for Glycine encephalopathy 1. Last evaluated: 2022-07-12. Review status: criteria provided, single submitter. Criteria: ACMG Guidelines, 2015. Collection method: clinical testing. Allele origin: germline. Affected: yes.
Comment: ACMG classification criteria: PS4 supporting, PM2 moderate, PP3 supporting

Ambry Genetics
Classification: Uncertain significance for Inborn genetic diseases. Last evaluated: 2022-03-04. Review status: criteria provided, single submitter. Criteria: Ambry Variant Classification Scheme 2023. Collection method: clinical testing. Allele origin: germline.

Genomic Research Center, Shahid Beheshti University of Medical Sciences
Classification: Pathogenic for Glycine encephalopathy 1. Last evaluated: 2020-05-03. Review status: criteria provided, single submitter. Criteria: ACMG Guidelines, 2015. Collection method: clinical testing. Allele origin: unknown. Affected: yes.

GeneDx
Classification: Uncertain significance. Last evaluated: 2019-11-25. Review status: criteria provided, single submitter. Criteria: GeneDx Variant Classification Process June 2021. Collection method: clinical testing. Allele origin: germline. Affected: yes.
Comment: Observed with a variant on the opposite allele (in trans) in a patient with intellectual disability, dysmorphic features, and epilepsy who also had a variant in another gene that may be responsible for the phenotype (Loviglio et al., 2016); In silico analysis, which includes protein predictors and evolutionary conservation, supports a deleterious effect; This variant is associated with the following publications: (PMID: 27799067)

Illumina Laboratory Services, Illumina
Classification: Uncertain significance for Glycine encephalopathy 1. Last evaluated: 2018-01-13. Review status: criteria provided, single submitter. Criteria: ICSL Variant Classification Criteria 13 December 2019. Collection method: clinical testing. Allele origin: germline.

Lupski Lab, Baylor-Hopkins CMG, Baylor College of Medicine
Classification: Pathogenic for Smith-Magenis Syndrome-like. Last evaluated: 2016-08-15. Review status: criteria provided, single submitter. Criteria: Loviglio et al (Genome Med 2016). Collection method: research. Allele origin: inherited. Inheritance: Autosomal recessive inheritance. Affected: yes. Study: Identification of a RAI1-associated disease network through integration of exome sequencing, transcriptomics and 3D genomics.

Kariminejad - Najmabadi Pathology & Genetics Center
Classification: Likely pathogenic for Glycine encephalopathy 1. Review status: criteria provided, single submitter. Criteria: ACMG Guidelines, 2015. Collection method: clinical testing. Allele origin: germline. Affected: no.

Natera, Inc.
Classification: Uncertain significance for Non-ketotic hyperglycinemia. Last evaluated: 2020-09-16. Review status: no assertion criteria provided. Collection method: clinical testing. Allele origin: germline. Not counted in ClinVar's aggregate classification.

Counsyl
Classification: Uncertain significance for Glycine encephalopathy 1. Last evaluated: 2017-10-24. Review status: no assertion criteria provided. Collection method: clinical testing. Allele origin: unknown. Not counted in ClinVar's aggregate classification.

Literature cited by the submitters: PubMed 27799067 (cited by 3 submitters); PubMed 27362913 (cited by Labcorp Genetics (formerly Invitae), Labcorp).

NM_000170.3(GLDC):c.1940C>T (p.Pro647Leu)

Gene: GLDC (glycine decarboxylase; minus strand). Cytogenetic location: 9p24.1.
Variant type: single nucleotide variant.
Coding change: c.1940C>T on transcript NM_000170.3 (MANE Select); coding-DNA position 1940, C replaced by T.
Protein change: p.Pro647Leu; replaces proline 647 with leucine.
Molecular consequence: missense variant.
Genome position (GRCh38, 1-based): chr9:6,558,671, G>A on the plus strand (C>T on the coding strand, the complement: GLDC is on the minus strand). VCF-style: chr9-6558671-G-A. GRCh37 (hg19) VCF-style: chr9-6558671-G-A.
Other names: short protein forms P647L.
Identifiers: ClinVar variation 254211 (VCV000254211.20), dbSNP rs201135624, ClinGen allele CA4980455.